The following is an entry in ClinVar:

ClinVar aggregate classification (germline): Pathogenic (1 of 4 stars; one submission).

Conditions:
Autosomal recessive titinopathy. Identifiers: MedGen CN315649, MONDO:0100493.

Submission:

Myofin, Folkhalsan Research Center
Classification: Pathogenic for Autosomal recessive titinopathy. Last evaluated: 2026-02-06. Review status: criteria provided, single submitter. Criteria: ACMG Guidelines, 2015. Collection method: research. Allele origin: germline. Affected: yes.
Comment: TTN loss-of-function is an established mechanism for autosomal recessive titinopathies. ACMG/AMP criteria applied: PVS1 (predicted loss of function), PM2_Supporting (absent/rare in population databases), and PP4_Supporting (highly consistent clinical phenotype). Overall classification: Pathogenic for recessive titinopathy.

Literature cited by the submitters: DOI 10.1101/2025.07.17.25331118.

NM_001267550.2(TTN):c.26173_26174del (p.Thr8725fs)

Gene: TTN (titin; minus strand). Cytogenetic location: 2q31.2.
Variant type: Microsatellite.
Coding change: c.26173_26174del on transcript NM_001267550.2 (MANE Select); coding-DNA positions 26173 to 26174, 2 bases deleted (AC; older notation c.26173_26174delAC).
Protein change: p.Thr8725fs; shifts the reading frame from threonine 8725.
Molecular consequence: frameshift variant. On other transcripts: intron variant (3).
Genome position (GRCh38, 1-based): chr2:178,715,012-178,715,013, GT deleted on the plus strand (AC on the coding strand, the reverse complement: TTN is on the minus strand); deleting any 2 consecutive bases within chr2:178,715,012-178,715,015 gives the same sequence; the c. name uses the placement nearest the transcript's 3' end. VCF-style (leftmost placement, unchanged base first): chr2-178715011-AGT-A. GRCh37 (hg19) VCF-style: chr2-179579738-AGT-A.
Other names: c.26173_26174delAC (NM_001267550.2); c.25222_25223del, p.Thr8408fs (NM_001256850.1); c.22441_22442del, p.Thr7481fs (NM_133378.4); c.13282+23069_13282+23070del (NM_003319.4); c.13858+23069_13858+23070del (NM_133437.4); c.13657+23069_13657+23070del (NM_133432.3); short protein forms T8408fs, T7481fs, T8725fs.
Identifiers: ClinVar variation 4795222 (VCV004795222.1).